The following is an entry in ClinVar:

ClinVar aggregate classification (germline): Uncertain significance (1 of 4 stars; one submission).

Conditions:
Episodic ataxia type 2 (EA2). Also called: ATAXIA, EPISODIC, WITH NYSTAGMUS; ATAXIA, FAMILIAL PAROXYSMAL; CEREBELLAR ATAXIA, PAROXYSMAL, ACETAZOLAMIDE-RESPONSIVE; CEREBELLOPATHY, HEREDITARY PAROXYSMAL; EPISODIC ATAXIA, NYSTAGMUS-ASSOCIATED; ACETAZOLAMIDE-RESPONSIVE HEREDITARY PAROXYSMAL CEREBELLAR ATAXIA. Identifiers: Orphanet 97, MedGen C1720416, MONDO:0007163, OMIM 108500.
Developmental and epileptic encephalopathy, 42 (DEE42A). Also called: DEVELOPMENTAL AND EPILEPTIC ENCEPHALOPATHY 42A; EPILEPTIC ENCEPHALOPATHY, EARLY INFANTILE, 42A; Epileptic encephalopathy, early infantile, 42. Identifiers: MedGen C4310716, MONDO:0014917, OMIM 617106.

Submission:

Labcorp Genetics (formerly Invitae), Labcorp
Classification: Uncertain significance for Developmental and epileptic encephalopathy, 42; Episodic ataxia type 2. Last evaluated: 2022-08-09. Review status: criteria provided, single submitter. Criteria: Invitae Variant Classification Sherloc (09022015). Collection method: clinical testing. Allele origin: germline.
Comment: In summary, the available evidence is currently insufficient to determine the role of this variant in disease. Therefore, it has been classified as a Variant of Uncertain Significance. Variants that disrupt the consensus splice site are a relatively common cause of aberrant splicing (PMID: 17576681, 9536098). Algorithms developed to predict the effect of sequence changes on RNA splicing suggest that this variant may disrupt the consensus splice site. ClinVar contains an entry for this variant (Variation ID: 1365492). This variant has not been reported in the literature in individuals affected with CACNA1A-related conditions. This variant is not present in population databases (gnomAD no frequency). This sequence change affects codon 133 of the CACNA1A mRNA. It is a 'silent' change, meaning that it does not change the encoded amino acid sequence of the CACNA1A protein. This variant also falls at the last nucleotide of exon 2, which is part of the consensus splice site for this exon.

Literature cited by the submitters: PubMed 17576681; PubMed 9536098.

NM_001127222.2(CACNA1A):c.399G>C (p.Leu133=)

Gene: CACNA1A (calcium voltage-gated channel subunit alpha1 A; minus strand). Cytogenetic location: 19p13.13.
Variant type: single nucleotide variant.
Coding change: c.399G>C on transcript NM_001127222.2 (MANE Select); coding-DNA position 399, G replaced by C.
Protein change: p.Leu133=; no amino-acid change (leucine 133 retained).
Molecular consequence: synonymous variant.
Genome position (GRCh38, 1-based): chr19:13,455,107, C>G on the plus strand (G>C on the coding strand, the complement: CACNA1A is on the minus strand). VCF-style: chr19-13455107-C-G. GRCh37 (hg19) VCF-style: chr19-13565921-C-G.
Other names: c.399G>C, p.Leu133= (NM_000068.4, NM_001127221.2, NM_001174080.2 and 1 more transcripts).
Identifiers: ClinVar variation 1365492 (VCV001365492.6), dbSNP rs2144947082, ClinGen allele CA505736043.